The following is an entry in ClinVar:

NM_001267550.2(TTN):c.82776T>C (p.Ser27592=)

Genes: TTN (titin; minus strand), TTN-AS1 (TTN antisense RNA 1; plus strand). Cytogenetic location: 2q31.2.
Variant type: single nucleotide variant.
Coding change: c.82776T>C on transcript NM_001267550.2 (MANE Select); coding-DNA position 82776, T replaced by C.
Protein change: p.Ser27592=; no amino-acid change (serine 27592 retained).
Molecular consequence: synonymous variant.
Genome position (GRCh38, 1-based): chr2:178,563,356, A>G on the plus strand (T>C on the coding strand, the complement: TTN is on the minus strand). VCF-style: chr2-178563356-A-G. GRCh37 (hg19) VCF-style: chr2-179428083-A-G.
Other names: c.77853T>C, p.Ser25951= (NM_001256850.1); c.55581T>C, p.Ser18527= (NM_003319.4); c.75072T>C, p.Ser25024= (NM_133378.4); c.55956T>C, p.Ser18652= (NM_133432.3); c.56157T>C, p.Ser18719= (NM_133437.4).
Identifiers: ClinVar variation 511176 (VCV000511176.10), dbSNP rs1553571817, ClinGen allele CA430249886.
Genomic context (GRCh38, chr2:178,563,356, plus strand): 5'-AGCTTCTTTGACCTCTACAACATAGCCTTTAACAGGTGCGCCACCATCATAAATTGGCTT[A>G]CTCCATGCCAGGGAGACAGAAGATCTGGAAGTGTCCGTCACTTTTGGATTGCTTGGGGGA-3'
Protein context (NP_001254479.2, residues 27582-27602): TSRSSVSLAW[Ser27592=]KPIYDGGAPV

ClinVar aggregate classification (germline): Likely benign. Review status: criteria provided, multiple submitters, no conflicts (2 of 4 stars). 2 submissions from 2 submitters: Likely benign (2). Last evaluated 2020-03-15.

Conditions:
Dilated cardiomyopathy 1G (CMD1G). Identifiers: Orphanet 154, MedGen C1858763, MONDO:0011400, OMIM 604145.
Autosomal recessive limb-girdle muscular dystrophy type 2J (LGMDR10). Also called: Limb-girdle muscular dystrophy, type 2J; MUSCULAR DYSTROPHY, LIMB-GIRDLE, AUTOSOMAL RECESSIVE 10. Identifiers: Orphanet 140922, MedGen C1837342, MONDO:0012127, OMIM 608807.

gnomAD v4.1: 1 of 1,613,384 alleles (0.000062%); no homozygotes.

Submissions (2):

Labcorp Genetics (formerly Invitae), Labcorp
Classification: Likely benign for Dilated cardiomyopathy 1G; Autosomal recessive limb-girdle muscular dystrophy type 2J. Last evaluated: 2020-03-15. Review status: criteria provided, single submitter. Criteria: Invitae Variant Classification Sherloc (09022015). Collection method: clinical testing. Allele origin: germline.

GeneDx
Classification: Likely benign. Last evaluated: 2017-07-27. Review status: criteria provided, single submitter. Criteria: GeneDx Variant Classification (06012015). Collection method: clinical testing. Allele origin: germline. Affected: yes.
Comment: This variant is considered likely benign or benign based on one or more of the following criteria: it is a conservative change, it occurs at a poorly conserved position in the protein, it is predicted to be benign by multiple in silico algorithms, and/or has population frequency not consistent with disease.